The following is an entry in ClinVar:

NM_001386094.1(AGBL1):c.806C>T (p.Pro269Leu)

Gene: AGBL1 (AGBL carboxypeptidase 1; plus strand). Cytogenetic location: 15q25.3.
Variant type: single nucleotide variant.
Coding change: c.806C>T on transcript NM_001386094.1 (MANE Select); coding-DNA position 806, C replaced by T.
Protein change: p.Pro269Leu; replaces proline 269 with leucine.
Molecular consequence: missense variant.
Genome position (GRCh38, 1-based): chr15:86,256,923, C>T. VCF-style: chr15-86256923-C-T. GRCh37 (hg19) VCF-style: chr15-86800154-C-T.
Other names: c.806C>T, p.Pro269Leu (NM_152336.4); short protein forms P269L.
Identifiers: ClinVar variation 3059001 (VCV003059001.8), dbSNP rs185896474, ClinGen allele CA7715508.

ClinVar aggregate classification (germline): Benign. Review status: criteria provided, single submitter (1 of 4 stars). 2 submissions from 2 submitters: Benign (1). 1 of the submissions does not count toward it. Last evaluated 2025-10-01.

Conditions:
AGBL1-related disorder. Also called: AGBL1-related condition.

Allele frequency attached by ClinVar (database versions not stated): 1000 Genomes Project 0.00399; 1000 Genomes Project 30x 0.00468; ExAC 0.00825; TOPMed 0.00983; ESP Exome Variant Server 0.01017.
gnomAD v4.1: 18,936 of 1,613,926 alleles (1.2%); highest among the groups gnomAD compares: Non-Finnish European, 1.4%; 126 homozygotes.

Submissions (2):

CeGaT Center for Human Genetics Tuebingen
Classification: Benign. Last evaluated: 2025-10-01. Review status: criteria provided, single submitter. Criteria: CeGaT Center For Human Genetics Tuebingen Variant Classification Criteria Version 2. Collection method: clinical testing. Allele origin: germline. Affected: yes. Observed: 1 variant allele.
Comment: AGBL1: BP4, BS1, BS2

PreventionGenetics, part of Exact Sciences
Classification: Benign for AGBL1-related condition. Last evaluated: 2019-07-15. Review status: no assertion criteria provided. Collection method: clinical testing. Allele origin: germline. Not counted in ClinVar's aggregate classification.
Comment: This variant is classified as benign based on ACMG/AMP sequence variant interpretation guidelines (Richards et al. 2015 PMID: 25741868, with internal and published modifications).